The following is an entry in ClinVar:

NM_006231.4(POLE):c.1007A>G (p.Asn336Ser)

Gene: POLE (DNA polymerase epsilon, catalytic subunit; minus strand). Cytogenetic location: 12q24.33.
Variant type: single nucleotide variant.
Coding change: c.1007A>G on transcript NM_006231.4 (MANE Select); coding-DNA position 1007, A replaced by G.
Protein change: p.Asn336Ser; replaces asparagine 336 with serine.
Molecular consequence: missense variant.
Genome position (GRCh38, 1-based): chr12:132,676,107, T>C on the plus strand (A>G on the coding strand, the complement: POLE is on the minus strand). VCF-style: chr12-132676107-T-C. GRCh37 (hg19) VCF-style: chr12-133252693-T-C.
Other names: short protein forms N336S.
Identifiers: ClinVar variation 240370 (VCV000240370.44), dbSNP rs5744760, ClinGen allele CA6894126.

ClinVar aggregate classification (germline): Benign/Likely benign. Review status: criteria provided, multiple submitters, no conflicts (2 of 4 stars). 15 submissions from 15 submitters: Benign (10); Likely benign (1). 4 of the submissions do not count toward it. Last evaluated 2026-03-04.

Conditions:
Polymerase proofreading-related adenomatous polyposis. Also called: Polymerase proofreading associated polyposis; Polymerase proofreading–associated polyposis (PPAP). Identifiers: Orphanet 447877, MedGen C5202613, MONDO:0018653.
Hereditary cancer-predisposing syndrome. Also called: Tumor predisposition; Hereditary Cancer Syndrome; Neoplastic Syndromes, Hereditary; Hereditary neoplastic syndrome. Identifiers: Orphanet 140162, MedGen C0027672, MeSH D009386, MONDO:0015356.
Colorectal cancer, susceptibility to, 12 (CRCS12). Also called: COLORECTAL CANCER, SUSCEPTIBILITY TO, ON CHROMOSOME 12q24. Identifiers: Orphanet 220460, MedGen C3554460, MONDO:0014038, OMIM 615083.

Allele frequency attached by ClinVar (database versions not stated): gnomAD exomes 0.00075 and 0.00208; ExAC 0.00269; gnomAD 0.00751 and 0.00805; TOPMed 0.00770; 1000 Genomes Project 0.00919; 1000 Genomes Project 30x 0.00968; ESP Exome Variant Server 0.01161.
gnomAD v4.1: 2,269 of 1,604,600 alleles (0.14%); highest among the groups gnomAD compares: African/African-American, 2.6%; 23 homozygotes.

Submissions (19):

Myriad Genetics, Inc.
Classification: Likely benign for Colorectal cancer, susceptibility to, 12. Last evaluated: 2026-03-04. Review status: criteria provided, single submitter. Criteria: Myriad Autosomal Dominant, Autosomal Recessive and X-Linked Classification Criteria (2023). Collection method: clinical testing. Allele origin: unknown.
Comment: This variant is considered likely benign. This variant has been observed at a population frequency that is significantly greater than expected given the associated disease prevalence and penetrance.

Labcorp Genetics (formerly Invitae), Labcorp
Classification: Benign. Last evaluated: 2026-02-03. Review status: criteria provided, single submitter. Criteria: Invitae Variant Classification Sherloc (09022015). Collection method: clinical testing. Allele origin: germline.

CeGaT Center for Human Genetics Tuebingen
Classification: Benign. Last evaluated: 2025-08-01. Review status: criteria provided, single submitter. Criteria: CeGaT Center For Human Genetics Tuebingen Variant Classification Criteria Version 2. Collection method: clinical testing. Allele origin: germline. Affected: yes. Observed: 1 variant allele.
Comment: POLE: BS1, BS2

Center for Genomic Medicine, Rigshospitalet, Copenhagen University Hospital
Classification: Benign. Last evaluated: 2025-03-04. Review status: criteria provided, single submitter. Criteria: ACMG Guidelines, 2015. Collection method: clinical testing. Allele origin: germline.

Quest Diagnostics Nichols Institute San Juan Capistrano
Classification: Benign. Last evaluated: 2025-02-06. Review status: criteria provided, single submitter. Criteria: Quest Diagnostics criteria. Collection method: clinical testing. Allele origin: unknown.

Mayo Clinic Laboratories, Mayo Clinic
Classification: Benign. Last evaluated: 2023-12-19. Review status: criteria provided, single submitter. Criteria: ACMG Guidelines, 2015. Collection method: clinical testing. Allele origin: germline. Observed: 3 variant alleles.
Comment: BS1, BS2

KCCC/NGS Laboratory, Kuwait Cancer Control Center
Classification: Benign for Colorectal cancer, susceptibility to, 12. Last evaluated: 2023-07-07. Review status: criteria provided, single submitter. Criteria: ACMG Guidelines, 2015. Collection method: clinical testing. Allele origin: germline. Affected: yes.

GeneDx
Classification: Benign. Last evaluated: 2018-06-26. Review status: criteria provided, single submitter. Criteria: GeneDx Variant Classification Process June 2021. Collection method: clinical testing. Allele origin: germline. Affected: yes.
Comment: This variant is associated with the following publications: (PMID: 16741161, 17067213, 15766587, 25224212, 20951805)

Women's Health and Genetics/Laboratory Corporation of America, LabCorp
Classification: Benign. Last evaluated: 2018-06-15. Review status: criteria provided, single submitter. Criteria: LabCorp Variant Classification Summary - May 2015. Collection method: clinical testing. Allele origin: germline.
Comment: Variant summary: POLE c.1007A>G (p.Asn336Ser) results in a conservative amino acid change located in the DNA-directed DNA polymerase, family B, exonuclease domain (IPR006133) of the encoded protein sequence. Three of five in-silico tools predict a damaging effect of the variant on protein function. The variant allele was found at a frequency of 0.0027 in 121118 control chromosomes in the ExAC database, including 5 homozygotes. The observed variant frequency is approximately 189.49 fold of the estimated maximal expected allele frequency for a pathogenic variant in POLE causing Colorectal Cancer phenotype (1.4e-05), strongly suggesting that the variant is benign. To our knowledge, no occurrence of c.1007A>G in individuals affected with Colorectal Cancer and no experimental evidence demonstrating its impact on protein function have been reported. Four clinical diagnostic laboratories have submitted clinical-significance assessments for this variant to ClinVar after 2014 without evidence for independent evaluation. All laboratories classified the variant as benign/likely benign. Based on the evidence outlined above, the variant was classified as benign.

PreventionGenetics, part of Exact Sciences
Classification: Benign. Last evaluated: 2016-12-06. Review status: criteria provided, single submitter. Criteria: ACMG Guidelines, 2015. Collection method: clinical testing. Allele origin: germline.

Ambry Genetics
Classification: Benign for Hereditary cancer-predisposing syndrome. Last evaluated: 2015-05-19. Review status: criteria provided, single submitter. Criteria: Ambry Variant Classification Scheme 2023. Collection method: clinical testing. Allele origin: germline.

Counsyl
Classification: Benign for Colorectal cancer, susceptibility to, 12. Last evaluated: 2017-09-01. Review status: no assertion criteria provided. Collection method: clinical testing. Allele origin: unknown. Not counted in ClinVar's aggregate classification.

Clinical Genetics, Academic Medical Center
Classification: Benign. Review status: no assertion criteria provided. Collection method: clinical testing. Allele origin: germline. Affected: yes. Study: VKGL Data-share Consensus. Not counted in ClinVar's aggregate classification.

Department of Pathology and Laboratory Medicine, Sinai Health System
Classification: Likely benign for Polymerase proofreading-related adenomatous polyposis. Review status: no assertion criteria provided. Collection method: clinical testing. Allele origin: unknown. Affected: yes. Study: The Canadian Open Genetics Repository (COGR). Not counted in ClinVar's aggregate classification.
Comment: The POLE p.Asn336Ser variant was identified in 2 of 1088 proband chromosomes (frequency: 0.002) from individuals or families with endometrial cancers (Billingsley 2015). The variant was also identified in dbSNP (ID: rs5744760) as "With other allele", ClinVar (classified as benign by Invitae, Ambry Genetics, Counsyl; as likely benign by GeneDx), and in MutDB. The variant was not identified in the Cosmic database. The variant was identified in control databases in 698 of 273020 chromosomes (10 homozygous) at a frequency of 0.003 increasing the likelihood this could be a low frequency benign variant (Genome Aggregation Database Feb 27, 2017). The variant was observed in the following populations: African in 615 of 23950 chromosomes (freq: 0.03), Other in 9 of 6364 chromosomes (freq: 0.001), Latino in 39 of 33222 chromosomes (freq: 0.001), European in 27 of 125476 chromosomes (freq: 0.0002), East Asian in 5 of 18714 chromosomes (freq: 0.0003), and South Asian in 3 of 29740 chromosomes (freq: 0.0001); it was not observed in the Ashkenazi Jewish, and Finnish, populations. The p.Asn336 residue is conserved across mammals and other organisms, and four out of five computational analyses (PolyPhen-2, SIFT, AlignGVGD, BLOSUM, MutationTaster) suggest that the variant may impact the protein. The variant occurs outside of the splicing consensus sequence and 5 of 5 in silico or computational prediction software programs (SpliceSiteFinder, MaxEntScan, NNSPLICE, GeneSplicer, HumanSpliceFinder) predict a greater than 10% difference in splicing. However, this information is not predictive enough to assume pathogenicity. In summary, based on the above information the clinical significance of this variant cannot be determined with certainty at this time although we would lean towards a more benign role for this variant. This variant is classified as likely benign.

Dr. Peter K. Rogan Lab, Western University
No classification provided (evidence only). Condition: Colorectal cancer. Review status: no classification provided. Collection method: in vitro. Allele origin: not applicable. Functional consequence: retained intron. Not counted in ClinVar's aggregate classification.

Dr. Peter K. Rogan Lab, Western University
No classification provided (evidence only). Condition: Thyroid cancer, nonmedullary, 1. Review status: no classification provided. Collection method: in vitro. Allele origin: not applicable. Functional consequence: retained intron. Not counted in ClinVar's aggregate classification.

Dr. Peter K. Rogan Lab, Western University
No classification provided (evidence only). Condition: Uterine corpus endometrial carcinoma. Review status: no classification provided. Collection method: in vitro. Allele origin: not applicable. Functional consequence: retained intron. Not counted in ClinVar's aggregate classification.

Dr. Peter K. Rogan Lab, Western University
No classification provided (evidence only). Condition: Uterine corpus endometrial carcinoma. Review status: no classification provided. Collection method: in vitro. Allele origin: not applicable. Functional consequence: retained intron. Not counted in ClinVar's aggregate classification.

Genome Diagnostics Laboratory, Amsterdam University Medical Center
Classification: Benign. Review status: no assertion criteria provided. Collection method: clinical testing. Allele origin: germline. Affected: yes. Study: VKGL Data-share Consensus. Not counted in ClinVar's aggregate classification.

Literature cited by the submitters: PubMed 25224212 (cited by Quest Diagnostics Nichols Institute San Juan Capistrano); PubMed 37848928 (cited by Quest Diagnostics Nichols Institute San Juan Capistrano); PubMed 20951805 (cited by Women's Health and Genetics/Laboratory Corporation of America, LabCorp).